The following is an entry in ClinVar:

ClinVar aggregate classification (germline): Uncertain significance (1 of 4 stars; one submission).

Conditions:
Autosomal recessive early-onset Parkinson disease 6 (PARK6). Also called: PINK1-Related Parkinson Disease; PARKINSON DISEASE 6, EARLY-ONSET; PARKINSON DISEASE 6, MODIFIER OF; PINK1 Type of Young-Onset Parkinson Disease. Identifiers: Orphanet 2828, MedGen C1853833, MONDO:0011613, OMIM 605909.

Submission:

Labcorp Genetics (formerly Invitae), Labcorp
Classification: Uncertain significance for Autosomal recessive early-onset Parkinson disease 6. Last evaluated: 2022-11-08. Review status: criteria provided, single submitter. Criteria: Invitae Variant Classification Sherloc (09022015). Collection method: clinical testing. Allele origin: germline.
Comment: In summary, the available evidence is currently insufficient to determine the role of this variant in disease. Therefore, it has been classified as a Variant of Uncertain Significance. Advanced modeling of protein sequence and biophysical properties (such as structural, functional, and spatial information, amino acid conservation, physicochemical variation, residue mobility, and thermodynamic stability) performed at Invitae indicates that this missense variant is not expected to disrupt PINK1 protein function. ClinVar contains an entry for this variant (Variation ID: 1359078). This variant has not been reported in the literature in individuals affected with PINK1-related conditions. This sequence change replaces leucine, which is neutral and non-polar, with phenylalanine, which is neutral and non-polar, at codon 216 of the PINK1 protein (p.Leu216Phe). This variant is not present in population databases (gnomAD no frequency).

NM_032409.3(PINK1):c.648G>T (p.Leu216Phe)

Gene: PINK1 (PTEN induced kinase 1; plus strand). Cytogenetic location: 1p36.12.
Variant type: single nucleotide variant.
Coding change: c.648G>T on transcript NM_032409.3 (MANE Select); coding-DNA position 648, G replaced by T.
Protein change: p.Leu216Phe; replaces leucine 216 with phenylalanine.
Molecular consequence: missense variant.
Genome position (GRCh38, 1-based): chr1:20,638,102, G>T. VCF-style: chr1-20638102-G-T. GRCh37 (hg19) VCF-style: chr1-20964595-G-T.
Other names: short protein forms L216F.
Identifiers: ClinVar variation 1359078 (VCV001359078.8), dbSNP rs2154533641, ClinGen allele CA338857826.